The following is an entry in ClinVar:

ClinVar aggregate classification (germline): Conflicting classifications of pathogenicity. Review status: criteria provided, conflicting classifications (1 of 4 stars). 5 submissions from 5 submitters: Uncertain significance (4); Likely benign (1). Last evaluated 2024-12-29.

Conditions:
Hereditary cancer-predisposing syndrome. Also called: Tumor predisposition; Hereditary neoplastic syndrome; Neoplastic Syndromes, Hereditary; Hereditary Cancer Syndrome. Identifiers: Orphanet 140162, MedGen C0027672, MeSH D009386, MONDO:0015356.
Hereditary breast ovarian cancer syndrome. Also called: Hereditary breast and ovarian cancer; Hereditary breast and ovarian cancer syndrome; Hereditary breast and/or ovarian cancer syndrome; Hereditary breast and ovarian cancer syndrome (HBOC); Breast and ovarian cancer; BRCA1- and BRCA2-Associated Hereditary Breast and Ovarian Cancer. Identifiers: Orphanet 145, MedGen C0677776, MeSH D061325, MONDO:0003582. Disease mechanism: loss of function.

Submissions (5):

Ambry Genetics
Classification: Uncertain significance for Hereditary cancer-predisposing syndrome. Last evaluated: 2024-12-29. Review status: criteria provided, single submitter. Criteria: Ambry Variant Classification Scheme 2023. Collection method: clinical testing. Allele origin: germline.
Comment: The p.G462E variant (also known as c.1385G>A), located in coding exon 9 of the BRCA1 gene, results from a G to A substitution at nucleotide position 1385. The glycine at codon 462 is replaced by glutamic acid, an amino acid with similar properties. This amino acid position is highly conserved in available vertebrate species. In addition, this alteration is predicted to be deleterious by in silico analysis. Since supporting evidence is limited at this time, the clinical significance of this alteration remains unclear.

University of Washington Department of Laboratory Medicine, University of Washington
Classification: Likely benign for Hereditary cancer-predisposing syndrome. Last evaluated: 2023-03-23. Review status: criteria provided, single submitter. Criteria: Dines et al. (Genet Med. 2020). Collection method: curation. Allele origin: germline.
Comment: Missense variant in a coldspot region where missense variants are very unlikely to be pathogenic (PMID:31911673).

BRCA1 coldspot (exon 11 using historical exon numbering). Reclassification based on statistical prior probability

Sema4
Classification: Uncertain significance for Hereditary cancer-predisposing syndrome. Last evaluated: 2021-11-04. Review status: criteria provided, single submitter. Criteria: Sema4 Curation Guidelines. Collection method: curation. Allele origin: germline.
Comment: The BRCA1 c.1385G>A (p.G462E) variant has not been reported in the literature to our knowledge. It was not observed in the large and broad cohorts of the Genome Aggregation Database (PMID: 32461654). The variant has not been reported in ClinVar. In silico tools suggest the impact of the variant on protein function is deleterious, though these predictions have not been confirmed by functional studies. The evidence is insufficient to meet ACMG/AMP criteria for classifying the variant as benign or pathogenic. Thus, the clinical significance of this variant is currently uncertain.

Color Diagnostics, LLC DBA Color Health
Classification: Uncertain significance for Hereditary cancer-predisposing syndrome. Last evaluated: 2021-10-11. Review status: criteria provided, single submitter. Criteria: ACMG Guidelines, 2015. Collection method: clinical testing. Allele origin: germline.
Comment: This missense variant replaces glycine with glutamic acid at codon 462 of the BRCA1 protein. Computational prediction suggests that this variant may have deleterious impact on protein structure and function (internally defined REVEL score threshold >= 0.7, PMID: 27666373). To our knowledge, functional studies have not been reported for this variant. This variant has not been reported in individuals affected with hereditary cancer in the literature. This variant has not been identified in the general population by the Genome Aggregation Database (gnomAD). The available evidence is insufficient to determine the role of this variant in disease conclusively. Therefore, this variant is classified as a Variant of Uncertain Significance.

Labcorp Genetics (formerly Invitae), Labcorp
Classification: Uncertain significance for Hereditary breast ovarian cancer syndrome. Last evaluated: 2021-10-08. Review status: criteria provided, single submitter. Criteria: Invitae Variant Classification Sherloc (09022015). Collection method: clinical testing. Allele origin: germline.
Comment: This sequence change replaces glycine with glutamic acid at codon 462 of the BRCA1 protein (p.Gly462Glu). The glycine residue is highly conserved and there is a moderate physicochemical difference between glycine and glutamic acid. This variant is not present in population databases (ExAC no frequency). This variant has not been reported in the literature in individuals affected with BRCA1-related conditions. Algorithms developed to predict the effect of missense changes on protein structure and function are either unavailable or do not agree on the potential impact of this missense change (SIFT: "Deleterious"; PolyPhen-2: "Probably Damaging"; Align-GVGD: "Class C0"). In summary, the available evidence is currently insufficient to determine the role of this variant in disease. Therefore, it has been classified as a Variant of Uncertain Significance.

NM_007294.4(BRCA1):c.1385G>A (p.Gly462Glu)

Gene: BRCA1 (BRCA1 DNA repair associated; minus strand). Cytogenetic location: 17q21.31.
Variant type: single nucleotide variant.
Coding change: c.1385G>A on transcript NM_007294.4 (MANE Select); coding-DNA position 1385, G replaced by A.
Protein change: p.Gly462Glu; replaces glycine 462 with glutamic acid.
Molecular consequence: missense variant. On other transcripts: intron variant (137).
Genome position (GRCh38, 1-based): chr17:43,094,146, C>T on the plus strand (G>A on the coding strand, the complement: BRCA1 is on the minus strand). VCF-style: chr17-43094146-C-T. GRCh37 (hg19) VCF-style: chr17-41246163-C-T.
Other names: c.1121G>A, p.Gly374Glu (NM_001407933.1, NM_001407935.1, NM_001407920.1 and 9 more transcripts); c.1118G>A, p.Gly373Glu (NM_001407934.1, NM_001407936.1, NM_001407930.1 and 2 more transcripts); c.1262G>A, p.Gly421Glu (NM_001407937.1, NM_001407938.1, NM_001407939.1 and 19 more transcripts); c.1259G>A, p.Gly420Glu (NM_001407940.1, NM_001407941.1, NM_001407649.1 and 11 more transcripts); c.1244G>A, p.Gly415Glu (NM_001407942.1, NM_001407944.1, NM_001407945.1 and 29 more transcripts); c.1241G>A, p.Gly414Glu (NM_001407943.1, NM_001407740.1, NM_001407741.1 and 20 more transcripts); c.1052G>A, p.Gly351Glu (NM_001407951.1, NM_001407952.1, NM_001407953.1 and 6 more transcripts); c.1049G>A, p.Gly350Glu (NM_001407954.1, NM_001407955.1, NM_001407956.1 and 1 more transcripts); and 40 more; short protein forms G415E, G462E, G166E, G334E, G373E, G374E, G391E, G392E.
Identifiers: ClinVar variation 1491586 (VCV001491586.14), dbSNP rs2053947222, ClinGen allele CA10599274.